The following is an entry in ClinVar:

ClinVar aggregate classification (germline): Uncertain significance (1 of 4 stars; one submission).

Conditions:
Gastrointestinal stromal tumor. Also called: Gastrointestinal stromal tumor, somatic; Gastrointestinal stroma tumor. Identifiers: Orphanet 44890, MedGen C0238198, MeSH D046152, MONDO:0011719, OMIM 606764, HP:0100723.
Pheochromocytoma/paraganglioma syndrome 3. Also called: SDHC-Related Hereditary Paraganglioma-Pheochromocytoma Syndrome (Paragangliomas 3); SDHC-Related Hereditary Paraganglioma-Pheochromocytoma Syndrome; Paragangliomas 3; GLOMUS TUMORS, FAMILIAL, 3. Identifiers: Orphanet 29072, MedGen C1854336, MONDO:0011544, OMIM 605373.

Submission:

Labcorp Genetics (formerly Invitae), Labcorp
Classification: Uncertain significance for Pheochromocytoma/paraganglioma syndrome 3; Gastrointestinal stromal tumor. Last evaluated: 2022-08-23. Review status: criteria provided, single submitter. Criteria: Invitae Variant Classification Sherloc (09022015). Collection method: clinical testing. Allele origin: germline.
Comment: This sequence change replaces serine, which is neutral and polar, with proline, which is neutral and non-polar, at codon 83 of the SDHC protein (p.Ser83Pro). This variant is not present in population databases (gnomAD no frequency). This variant has not been reported in the literature in individuals affected with SDHC-related conditions. ClinVar contains an entry for this variant (Variation ID: 579834). Algorithms developed to predict the effect of missense changes on protein structure and function are either unavailable or do not agree on the potential impact of this missense change (SIFT: "Tolerated"; PolyPhen-2: "Probably Damaging"; Align-GVGD: "Class C0"). In summary, the available evidence is currently insufficient to determine the role of this variant in disease. Therefore, it has been classified as a Variant of Uncertain Significance.

NM_003001.5(SDHC):c.247T>C (p.Ser83Pro)

Gene: SDHC (succinate dehydrogenase complex subunit C; plus strand). Cytogenetic location: 1q23.3.
Variant type: single nucleotide variant.
Coding change: c.247T>C on transcript NM_003001.5 (MANE Select); coding-DNA position 247, T replaced by C.
Protein change: p.Ser83Pro; replaces serine 83 with proline.
Molecular consequence: missense variant. On other transcripts: non-coding transcript variant (1), intron variant (3).
Genome position (GRCh38, 1-based): chr1:161,356,682, T>C. VCF-style: chr1-161356682-T-C. GRCh37 (hg19) VCF-style: chr1-161326472-T-C.
Other names: c.145T>C, p.Ser49Pro (NM_001035512.3); c.88T>C, p.Ser30Pro (NM_001035513.3); c.367T>C, p.Ser123Pro (NM_001407115.1); c.190T>C, p.Ser64Pro (NM_001407116.1); c.184T>C, p.Ser62Pro (NM_001407117.1); c.139T>C, p.Ser47Pro (NM_001407118.1); c.136T>C, p.Ser46Pro (NM_001407119.1, NM_001407120.1); c.242-5647T>C (NM_001035511.3); and 2 more; short protein forms S83P, S49P, S30P, S123P, S46P, S47P, S64P, S62P.
Identifiers: ClinVar variation 579834 (VCV000579834.7), dbSNP rs1558182753, ClinGen allele CA343456223.